The following is an entry in ClinVar:

NM_000064.4(C3):c.1603T>C (p.Tyr535His)

Gene: C3 (complement C3; minus strand). Cytogenetic location: 19p13.3.
Variant type: single nucleotide variant.
Coding change: c.1603T>C on transcript NM_000064.4 (MANE Select); coding-DNA position 1603, T replaced by C.
Protein change: p.Tyr535His; replaces tyrosine 535 with histidine.
Molecular consequence: missense variant.
Genome position (GRCh38, 1-based): chr19:6,710,722, A>G on the plus strand (T>C on the coding strand, the complement: C3 is on the minus strand). VCF-style: chr19-6710722-A-G. GRCh37 (hg19) VCF-style: chr19-6710733-A-G.
Other names: short protein forms Y535H.
Identifiers: ClinVar variation 1470262 (VCV001470262.6), dbSNP rs2145427790, ClinGen allele CA403640382.

ClinVar aggregate classification (germline): Uncertain significance (1 of 4 stars; one submission).

Submission:

Labcorp Genetics (formerly Invitae), Labcorp
Classification: Uncertain significance. Last evaluated: 2021-10-31. Review status: criteria provided, single submitter. Criteria: Invitae Variant Classification Sherloc (09022015). Collection method: clinical testing. Allele origin: germline.
Comment: This sequence change replaces tyrosine, which is neutral and polar, with histidine, which is basic and polar, at codon 535 of the C3 protein (p.Tyr535His). This variant is not present in population databases (gnomAD no frequency). This variant has not been reported in the literature in individuals affected with C3-related conditions. Algorithms developed to predict the effect of missense changes on protein structure and function (SIFT, PolyPhen-2, Align-GVGD) all suggest that this variant is likely to be disruptive. In summary, the available evidence is currently insufficient to determine the role of this variant in disease. Therefore, it has been classified as a Variant of Uncertain Significance.